The following is an entry in ClinVar:

NC_012920.1(MT-CO2):m.7587T>C

Gene: MT-CO2 (mitochondrially encoded cytochrome c oxidase II; plus strand).
Variant type: single nucleotide variant.
Genome position: chrM-7587-T-C.
Other names: 7587T-C.
Identifiers: ClinVar variation 9658 (VCV000009658.2), dbSNP rs199474825, ClinGen allele CA120604.
Genomic context (GRCh38, chrMT:7,587, plus strand): 5'-GAAAAACCATTTCATAACTTTGTCAAAGTTAAATTATAGGCTAAATCCTATATATCTTAA[T>C]GGCACATGCAGCGCAAGTAGGTCTACAAGACGCTACTTCCCCTATCATAGAAGAGCTTAT-3'

ClinVar aggregate classification (germline): Likely pathogenic. Review status: reviewed by expert panel (3 of 4 stars). 2 submissions from 2 submitters: Likely pathogenic (1). 1 of the submissions does not count toward it. Last evaluated 2024-03-11.

Conditions:
Mitochondrial disease. Also called: Mitochondrial disorder; Mitochondrial disorders. Identifiers: Orphanet 68380, MedGen C0751651, MeSH D028361, MONDO:0044970.
Mitochondrial complex IV deficiency, nuclear type 1 (MC4DN1). Also called: COX DEFICIENCY; Mitochondrial complex IV deficiency; Complex 4 mitochondrial respiratory chain deficiency; Deficiency of mitochondrial respiratory chain complex4; Complex IV deficiency. Identifiers: MedGen C5435656, MONDO:0700250, OMIM 220110. Disease mechanism: loss of function.

Submissions (2):

ClinGen Mitochondrial Disease Nuclear and Mitochondrial  Variant Curation Expert Panel, ClinGen
Classification: Likely pathogenic for Mitochondrial disease. Last evaluated: 2024-03-11. Review status: reviewed by expert panel. Criteria: clingen mito disease acmg specifications v1-1. Collection method: curation. Allele origin: germline. Inheritance: Mitochondrial inheritance.
Comment: The m.7587T>C (p.M1T) variant in MT-CO2 has been reported in one family with primary mitochondrial disease to date (PMID: 10205264). The variant was present at 67% heteroplasmy in the muscle of the mother and at 91% in muscle of her affected son. There are no individuals reported with de novo occurrences of this variant to our knowledge. This variant is absent in the GenBank dataset, Helix dataset, and gnomAD v3.1.2 (PM2_supporting). The computational predictor APOGEE gives a consensus rating of pathogenic with a score of 0.79 (Min=0, Max=1; APOGEE2 score is 0.875), which predicts a damaging effect on gene function (PP3). This initiation codon variant results in a significant truncation of the MT-CO2 protein (PVS1_strong). Single fiber testing showed higher levels of the variant in COX-negative (near homoplasmy) than in COX-positive fibers (17–52%; PS3_supporting, PMID: 10205264). In summary, this variant meets criteria to be classified as likely pathogenic for primary mitochondrial disease inherited in a mitochondrial manner. This classification was approved by the NICHD/NINDS U24 ClinGen Mitochondrial Disease Variant Curation Expert Panel on March 11, 2024. Mitochondrial DNA-specific ACMG/AMP criteria applied (PMID: 32906214): PVS1_strong, PP3, PS3_supporting, PM2_supporting.

OMIM
Classification: Pathogenic for CYTOCHROME c OXIDASE DEFICIENCY. Last evaluated: 1999-05-01. Review status: no assertion criteria provided. Collection method: literature only. Allele origin: germline. Not counted in ClinVar's aggregate classification.

Literature cited by the submitters: PubMed 10205264 (cited by ClinGen Mitochondrial Disease Nuclear and Mitochondrial  Variant Curation Expert Panel, ClinGen and OMIM).